The following is an entry in ClinVar:

ClinVar aggregate classification (germline): Uncertain significance (1 of 4 stars; one submission).

Submission:

GeneDx
Classification: Uncertain significance. Last evaluated: 2025-02-21. Review status: criteria provided, single submitter. Criteria: GeneDx Variant Classification Process June 2021. Collection method: clinical testing. Allele origin: germline. Affected: yes.
Comment: Not observed at significant frequency in large population cohorts (gnomAD); In silico analysis indicates that this missense variant does not alter protein structure/function; Has not been previously published as pathogenic or benign to our knowledge

NM_001257291.2(SLC9A7):c.367A>G (p.Thr123Ala)

Gene: SLC9A7 (solute carrier family 9 member A7; minus strand). Cytogenetic location: Xp11.3.
Variant type: single nucleotide variant.
Coding change: c.367A>G on transcript NM_001257291.2 (MANE Select); coding-DNA position 367, A replaced by G.
Protein change: p.Thr123Ala; replaces threonine 123 with alanine.
Molecular consequence: missense variant.
Genome position (GRCh38, 1-based): chrX:46,682,494, T>C on the plus strand (A>G on the coding strand, the complement: SLC9A7 is on the minus strand). VCF-style: chrX-46682494-T-C. GRCh37 (hg19) VCF-style: chrX-46541929-T-C.
Other names: c.367A>G, p.Thr123Ala (NM_032591.3); short protein forms T123A.
Identifiers: ClinVar variation 4076909 (VCV004076909.1).